The following is an entry in ClinVar:

ClinVar aggregate classification (germline): Uncertain significance (1 of 4 stars; one submission).

Conditions:
Sulfite oxidase deficiency due to molybdenum cofactor deficiency type C. Also called: Molybdenum cofactor deficiency, complementation group C; Molybdenum cofactor deficiency C. Identifiers: Orphanet 308400, Orphanet 833, MedGen C1854990, MONDO:0014212, OMIM 615501.

Submission:

Labcorp Genetics (formerly Invitae), Labcorp
Classification: Uncertain significance for Sulfite oxidase deficiency due to molybdenum cofactor deficiency type C. Last evaluated: 2022-03-19. Review status: criteria provided, single submitter. Criteria: Invitae Variant Classification Sherloc (09022015). Collection method: clinical testing. Allele origin: germline.
Comment: In summary, the available evidence is currently insufficient to determine the role of this variant in disease. Therefore, it has been classified as a Variant of Uncertain Significance. Algorithms developed to predict the effect of missense changes on protein structure and function are either unavailable or do not agree on the potential impact of this missense change (SIFT: "Tolerated"; PolyPhen-2: "Possibly Damaging"; Align-GVGD: "Class C0"). This variant has not been reported in the literature in individuals affected with GPHN-related conditions. This variant is not present in population databases (gnomAD no frequency). This sequence change replaces threonine, which is neutral and polar, with serine, which is neutral and polar, at codon 562 of the GPHN protein (p.Thr562Ser).

NM_020806.5(GPHN):c.1685C>G (p.Thr562Ser)

Gene: GPHN (gephyrin; plus strand). Cytogenetic location: 14q23.3.
Variant type: single nucleotide variant.
Coding change: c.1685C>G on transcript NM_020806.5 (MANE Select); coding-DNA position 1685, C replaced by G.
Protein change: p.Thr562Ser; replaces threonine 562 with serine.
Molecular consequence: missense variant.
Genome position (GRCh38, 1-based): chr14:67,122,314, C>G. VCF-style: chr14-67122314-C-G. GRCh37 (hg19) VCF-style: chr14-67589031-C-G.
Other names: c.1586C>G, p.Thr529Ser (NM_001024218.2); c.1745C>G, p.Thr582Ser (NM_001377514.1); c.1715C>G, p.Thr572Ser (NM_001377515.1); c.1706C>G, p.Thr569Ser (NM_001377516.1); c.1658C>G, p.Thr553Ser (NM_001377517.1); c.1643C>G, p.Thr548Ser (NM_001377518.1); c.1625C>G, p.Thr542Ser (NM_001377519.1); short protein forms T582S, T529S, T548S, T542S, T553S, T562S, T569S, T572S.
Identifiers: ClinVar variation 2143965 (VCV002143965.4), dbSNP rs2543525082, ClinGen allele CA390259202.